The following is an entry in ClinVar:

NM_001267550.2(TTN):c.30184_30189dup (p.Glu10063_Asp10064insTyrGlu)

Gene: TTN (titin; minus strand). Cytogenetic location: 2q31.2.
Variant type: Duplication.
Coding change: c.30184_30189dup on transcript NM_001267550.2 (MANE Select); coding-DNA positions 30184 to 30189, 6 bases duplicated (TATGAA; older notation c.30184_30189dupTATGAA).
Protein change: p.Glu10063_Asp10064insTyrGlu.
Molecular consequence: inframe insertion. On other transcripts: intron variant (3).
Genome position (GRCh38, 1-based): chr2:178,704,181-178,704,186, TTCATA duplicated on the plus strand (TATGAA on the coding strand, the reverse complement: TTN is on the minus strand); duplicating any 6 consecutive bases within chr2:178,704,181-178,704,188 gives the same sequence; the c. name uses the placement nearest the transcript's 3' end. VCF-style (leftmost placement, unchanged base first): chr2-178704180-C-CTTCATA. GRCh37 (hg19) VCF-style: chr2-179568907-C-CTTCATA.
Other names: c.26452_26457dupTATGAA (NM_133378.4); c.29233_29238dup, p.Glu9746_Asp9747insTyrGlu (NM_001256850.1); c.26452_26457dup, p.Glu8819_Asp8820insTyrGlu (NM_133378.4); c.13282+33896_13282+33901dup (NM_003319.4); c.13858+33896_13858+33901dup (NM_133437.4); c.13657+33896_13657+33901dup (NM_133432.3).
Identifiers: ClinVar variation 4535806 (VCV004535806.1).

ClinVar aggregate classification (germline): Uncertain significance (1 of 4 stars; one submission).

Submission:

Women's Health and Genetics/Laboratory Corporation of America, LabCorp
Classification: Uncertain significance. Last evaluated: 2025-09-04. Review status: criteria provided, single submitter. Criteria: LabCorp Variant Classification Summary - May 2015. Collection method: clinical testing. Allele origin: germline.
Comment: Variant summary: TTN c.26452_26457dupTATGAA (p.Tyr8818_Glu8819dup) (also known as NM_001267550: c.30184_30189dupTATGAA (p.Tyr10062_Glu10063dup)) results in an in-frame duplication that is predicted to duplicate 2 amino acids in I-band region of the encoded protein. The variant allele was found at a frequency of 4e-06 in 249184 control chromosomes in the gnomAD database. The available data on variant occurrences in the general population are insufficient to allow any conclusion about variant significance. To our knowledge, no occurrence of c.26452_26457dupTATGAA in individuals affected with TTN-related conditions and no experimental evidence demonstrating its impact on protein function have been reported. No submitters have cited clinical-significance assessments for this variant to ClinVar. Based on the evidence outlined above, the variant was classified as uncertain significance.